The following is an entry in ClinVar:

NM_005169.4(PHOX2A):c.697G>A (p.Ala233Thr)

Genes: PHOX2A (paired like homeobox 2A; minus strand), LOC130006329 (ATAC-STARR-seq lymphoblastoid silent region 3718; plus strand). Cytogenetic location: 11q13.4.
Variant type: single nucleotide variant.
Coding change: c.697G>A on transcript NM_005169.4 (MANE Select); coding-DNA position 697, G replaced by A.
Protein change: p.Ala233Thr; replaces alanine 233 with threonine.
Molecular consequence: missense variant.
Genome position (GRCh38, 1-based): chr11:72,239,907, C>T on the plus strand (G>A on the coding strand, the complement: PHOX2A is on the minus strand). VCF-style: chr11-72239907-C-T. GRCh37 (hg19) VCF-style: chr11-71950951-C-T.
Other names: c.781G>A, p.Ala261Thr (NM_001425096.1); c.721G>A, p.Ala241Thr (NM_001425097.1); c.*576G>A (NM_001425098.1); short protein forms A233T, A241T, A261T.
Identifiers: ClinVar variation 2632350 (VCV002632350.1), dbSNP rs760780805, ClinGen allele CA6170826.

ClinVar aggregate classification (germline): Uncertain significance (1 of 4 stars; one submission).

Conditions:
PHOX2A-related disorder. Also called: PHOX2A-related condition.

Allele frequency attached by ClinVar (database versions not stated): gnomAD exomes below 0.00001; gnomAD 0.00001; TOPMed 0.00001; ExAC 0.00045.
gnomAD v4.1: 2 of 1,343,592 alleles (0.00015%); highest among the groups gnomAD compares: East Asian, 0.0062%; no homozygotes.

Submission:

PreventionGenetics, part of Exact Sciences
Classification: Uncertain significance for PHOX2A-related condition. Last evaluated: 2023-05-19. Review status: criteria provided, single submitter. Criteria: ACMG Guidelines, 2015. Collection method: clinical testing. Allele origin: germline.
Comment: The PHOX2A c.697G>A variant is predicted to result in the amino acid substitution p.Ala233Thr. To our knowledge, this variant has not been reported in the literature. This variant is reported in 0.13% of alleles in individuals of East Asian descent in gnomAD, however this variant is covered in less than 50% of individuals in gnomAD and as such frequency estimates may not be reliable. At this time, the clinical significance of this variant is uncertain due to the absence of conclusive functional and genetic evidence.